The following is an entry in ClinVar:

NM_000257.4(MYH7):c.5411C>G (p.Ala1804Gly)

Gene: MYH7 (myosin heavy chain 7; minus strand). Cytogenetic location: 14q11.2.
Variant type: single nucleotide variant.
Coding change: c.5411C>G on transcript NM_000257.4 (MANE Select); coding-DNA position 5411, C replaced by G.
Protein change: p.Ala1804Gly; replaces alanine 1804 with glycine.
Molecular consequence: missense variant.
Genome position (GRCh38, 1-based): chr14:23,415,143, G>C on the plus strand (C>G on the coding strand, the complement: MYH7 is on the minus strand). VCF-style: chr14-23415143-G-C. GRCh37 (hg19) VCF-style: chr14-23884352-G-C.
Other names: short protein forms A1804G.
Identifiers: ClinVar variation 525019 (VCV000525019.10), dbSNP rs970169331, ClinGen allele CA257809024.

ClinVar aggregate classification (germline): Uncertain significance. Review status: criteria provided, multiple submitters, no conflicts (2 of 4 stars). 2 submissions from 2 submitters: Uncertain significance (2). Last evaluated 2022-11-11.

Conditions:
Hypertrophic cardiomyopathy. Also called: HYPERTROPHIC MYOCARDIOPATHY. Identifiers: Orphanet 217569, MedGen C0007194, MeSH D002312, MONDO:0005045, HP:0001639.
Cardiovascular phenotype. Identifiers: MedGen CN230736.

Allele frequency attached by ClinVar (database versions not stated): TOPMed 0.00002.

Submissions (2):

Labcorp Genetics (formerly Invitae), Labcorp
Classification: Uncertain significance for Hypertrophic cardiomyopathy. Last evaluated: 2022-11-11. Review status: criteria provided, single submitter. Criteria: Invitae Variant Classification Sherloc (09022015). Collection method: clinical testing. Allele origin: germline.
Comment: ClinVar contains an entry for this variant (Variation ID: 525019). This sequence change replaces alanine, which is neutral and non-polar, with glycine, which is neutral and non-polar, at codon 1804 of the MYH7 protein (p.Ala1804Gly). This variant is not present in population databases (gnomAD no frequency). This variant has not been reported in the literature in individuals affected with MYH7-related conditions. Advanced modeling of protein sequence and biophysical properties (such as structural, functional, and spatial information, amino acid conservation, physicochemical variation, residue mobility, and thermodynamic stability) performed at Invitae indicates that this missense variant is expected to disrupt MYH7 protein function. In summary, the available evidence is currently insufficient to determine the role of this variant in disease. Therefore, it has been classified as a Variant of Uncertain Significance.

Ambry Genetics
Classification: Uncertain significance for Cardiovascular phenotype. Last evaluated: 2020-01-28. Review status: criteria provided, single submitter. Criteria: Ambry Variant Classification Scheme 2023. Collection method: clinical testing. Allele origin: germline.
Comment: The p.A1804G variant (also known as c.5411C>G), located in coding exon 35 of the MYH7 gene, results from a C to G substitution at nucleotide position 5411. The alanine at codon 1804 is replaced by glycine, an amino acid with similar properties. An alternative substitution at this codon, p.A1804T, was reported in a cardiomyopathy cohort; however, clinical details were limited (Forleo C et al. PLoS ONE, 2017 Jul;12:e0181842). This amino acid position is highly conserved in available vertebrate species. In addition, the in silico prediction for this alteration is inconclusive. Since supporting evidence is limited at this time, the clinical significance of this alteration remains unclear.

Literature cited by the submitters: PubMed 28750076 (cited by Ambry Genetics).